The following is an entry in ClinVar:

NM_031471.6(FERMT3):c.74A>G (p.Glu25Gly)

Gene: FERMT3 (FERM domain containing kindlin 3; plus strand). Cytogenetic location: 11q13.1.
Variant type: single nucleotide variant.
Coding change: c.74A>G on transcript NM_031471.6 (MANE Select); coding-DNA position 74, A replaced by G.
Protein change: p.Glu25Gly; replaces glutamic acid 25 with glycine.
Molecular consequence: missense variant.
Genome position (GRCh38, 1-based): chr11:64,207,438, A>G. VCF-style: chr11-64207438-A-G. GRCh37 (hg19) VCF-style: chr11-63974910-A-G.
Other names: c.74A>G, p.Glu25Gly (NM_001382361.1, NM_001382362.1, NM_001382448.1 and 1 more transcripts); short protein forms E25G.
Identifiers: ClinVar variation 1400293 (VCV001400293.6), dbSNP rs2134828037, ClinGen allele CA381079546.
Genomic context (GRCh38, chr11:64,207,438, plus strand): 5'-AGACAGCCTCCGGGGACTACATCGACTCGTCATGGGAGCTGCGGGTGTTTGTGGGAGAGG[A>G]GGACCCAGAGGCCGAGTCGGTCACCCTGCGGGTCACTGGGGAGTCGCACATCGGCGGGGT-3'
Protein context (NP_113659.3, residues 15-35): SWELRVFVGE[Glu25Gly]DPEAESVTLR

ClinVar aggregate classification (germline): Uncertain significance (1 of 4 stars; one submission).

Conditions:
Leukocyte adhesion deficiency 3. Also called: INTEGRIN ACTIVATION DEFICIENCY DISEASE; LEUKOCYTE ADHESION DEFICIENCY 1 VARIANT; Leukocyte adhesion deficiency, type III. Identifiers: Orphanet 2968, Orphanet 99844, MedGen C2748536, MONDO:0013016, OMIM 612840.

Submission:

Labcorp Genetics (formerly Invitae), Labcorp
Classification: Uncertain significance for Leukocyte adhesion deficiency 3. Last evaluated: 2022-03-03. Review status: criteria provided, single submitter. Criteria: Invitae Variant Classification Sherloc (09022015). Collection method: clinical testing. Allele origin: germline.
Comment: Algorithms developed to predict the effect of missense changes on protein structure and function (SIFT, PolyPhen-2, Align-GVGD) all suggest that this variant is likely to be tolerated. In summary, the available evidence is currently insufficient to determine the role of this variant in disease. Therefore, it has been classified as a Variant of Uncertain Significance. This variant has not been reported in the literature in individuals affected with FERMT3-related conditions. This variant is not present in population databases (gnomAD no frequency). This sequence change replaces glutamic acid, which is acidic and polar, with glycine, which is neutral and non-polar, at codon 25 of the FERMT3 protein (p.Glu25Gly).